The following is an entry in ClinVar:

NM_002474.3(MYH11):c.3845T>G (p.Val1282Gly)

Gene: MYH11 (myosin heavy chain 11; minus strand). Cytogenetic location: 16p13.11.
Variant type: single nucleotide variant.
Coding change: c.3845T>G on transcript NM_002474.3 (MANE Select); coding-DNA position 3845, T replaced by G.
Protein change: p.Val1282Gly; replaces valine 1282 with glycine.
Molecular consequence: missense variant.
Genome position (GRCh38, 1-based): chr16:15,726,861, A>C on the plus strand (T>G on the coding strand, the complement: MYH11 is on the minus strand). VCF-style: chr16-15726861-A-C. GRCh37 (hg19) VCF-style: chr16-15820718-A-C.
Other names: c.3866T>G, p.Val1289Gly (NM_001040113.2, NM_001040114.2); c.3845T>G, p.Val1282Gly (NM_022844.3); c.3845T>G (NM_002474.2); short protein forms V1282G, V1289G.
Identifiers: ClinVar variation 1171221 (VCV001171221.8), dbSNP rs1555554044, ClinGen allele CA394859951.

ClinVar aggregate classification (germline): Uncertain significance. Review status: criteria provided, multiple submitters, no conflicts (2 of 4 stars). 3 submissions from 3 submitters: Uncertain significance (3). Last evaluated 2024-01-17.

Conditions:
Aortic aneurysm, familial thoracic 4 (AAT4). Also called: AORTIC ANEURYSM/AORTIC DISSECTION AND PATENT DUCTUS ARTERIOSUS. Identifiers: MedGen C1851504, MONDO:0007568, OMIM 132900.
Familial thoracic aortic aneurysm and aortic dissection (TAAD). Also called: Thoracic aortic aneurysms and dissections. Identifiers: Orphanet 91387, MedGen C4707243, MONDO:0019625.

Submissions (3):

GeneDx
Classification: Uncertain significance. Last evaluated: 2024-01-17. Review status: criteria provided, single submitter. Criteria: GeneDx Variant Classification Process June 2021. Collection method: clinical testing. Allele origin: germline. Affected: yes.
Comment: Has not been previously published as pathogenic or benign to our knowledge; Not observed at significant frequency in large population cohorts (gnomAD); In silico analysis supports that this missense variant has a deleterious effect on protein structure/function

Labcorp Genetics (formerly Invitae), Labcorp
Classification: Uncertain significance for Aortic aneurysm, familial thoracic 4. Last evaluated: 2023-04-19. Review status: criteria provided, single submitter. Criteria: Invitae Variant Classification Sherloc (09022015). Collection method: clinical testing. Allele origin: germline.
Comment: ClinVar contains an entry for this variant (Variation ID: 1171221). This variant has not been reported in the literature in individuals affected with MYH11-related conditions. This variant is not present in population databases (gnomAD no frequency). This sequence change replaces valine, which is neutral and non-polar, with glycine, which is neutral and non-polar, at codon 1289 of the MYH11 protein (p.Val1289Gly). Advanced modeling of protein sequence and biophysical properties (such as structural, functional, and spatial information, amino acid conservation, physicochemical variation, residue mobility, and thermodynamic stability) performed at Invitae indicates that this missense variant is not expected to disrupt MYH11 protein function. In summary, the available evidence is currently insufficient to determine the role of this variant in disease. Therefore, it has been classified as a Variant of Uncertain Significance.

Color Diagnostics, LLC DBA Color Health
Classification: Uncertain significance for Familial thoracic aortic aneurysm and aortic dissection. Last evaluated: 2020-12-08. Review status: criteria provided, single submitter. Criteria: ACMG Guidelines, 2015. Collection method: clinical testing. Allele origin: germline.
Comment: This missense variant replaces valine with glycine at codon 1289 of the MYH11 protein. Computational prediction suggests that this variant may not impact protein structure and function (internally defined REVEL score threshold <= 0.5, PMID: 27666373). To our knowledge, functional studies have not been reported for this variant. This variant has not been reported in individuals affected with cardiovascular disorders in the literature. This variant has not been identified in the general population by the Genome Aggregation Database (gnomAD). The available evidence is insufficient to determine the role of this variant in disease conclusively. Therefore, this variant is classified as a Variant of Uncertain Significance.